The following is an entry in ClinVar:

NM_004415.4(DSP):c.2674C>T (p.Arg892Cys)

Gene: DSP (desmoplakin; plus strand). Cytogenetic location: 6p24.3.
Variant type: single nucleotide variant.
Coding change: c.2674C>T on transcript NM_004415.4 (MANE Select); coding-DNA position 2674, C replaced by T.
Protein change: p.Arg892Cys; replaces arginine 892 with cysteine.
Molecular consequence: missense variant.
Genome position (GRCh38, 1-based): chr6:7,576,337, C>T. VCF-style: chr6-7576337-C-T. GRCh37 (hg19) VCF-style: chr6-7576570-C-T.
Other names: c.2674C>T (NM_004415.2); c.2674C>T, p.Arg892Cys (NM_001008844.3, NM_001319034.2); short protein forms R892C.
Identifiers: ClinVar variation 1513255 (VCV001513255.7), dbSNP rs750800025, ClinGen allele CA034568.
Genomic context (GRCh38, chr6:7,576,337, plus strand): 5'-TATCTATTTCCCCCCAGGTTATGGGACCTGGAGAAACAAATCAAGCAATTGAGGAATTAT[C>T]GTGATAACTATCAGGCTTTCTGCAAGTGGCTCTATGATGCTAAACGCCGCCAGGATTCCT-3'
Protein context (NP_004406.2, residues 882-902): EKQIKQLRNY[Arg892Cys]DNYQAFCKWL

ClinVar aggregate classification (germline): Uncertain significance. Review status: criteria provided, multiple submitters, no conflicts (2 of 4 stars). 2 submissions from 2 submitters: Uncertain significance (2). Last evaluated 2024-09-25.

Conditions:
Cardiovascular phenotype. Identifiers: MedGen CN230736.
Arrhythmogenic right ventricular dysplasia 8 (ARVD8). Also called: Arrhythmogenic Right Ventricular Dysplasia/Cardiomyopathy 8; ARRHYTHMOGENIC RIGHT VENTRICULAR DYSPLASIA, FAMILIAL, 8; ARRHYTHMOGENIC RIGHT VENTRICULAR CARDIOMYOPATHY 8. Identifiers: MedGen C1843896, MONDO:0011831, OMIM 607450.
Arrhythmogenic cardiomyopathy with wooly hair and keratoderma. Also called: Arrhythmogenic cardiomyopathy with woolly hair and keratoderma; Carvajal syndrome; PALMOPLANTAR KERATODERMA WITH LEFT VENTRICULAR CARDIOMYOPATHY AND WOOLLY HAIR; Dilated cardiomyopathy with woolly hair and keratoderma. Identifiers: Orphanet 65282, MedGen C1854063, MONDO:0011581, OMIM 605676.

Allele frequency attached by ClinVar (database versions not stated): ExAC 0.00001; TOPMed 0.00001; gnomAD 0.00002.
gnomAD v4.1: 15 of 1,613,918 alleles (0.00093%); highest among the groups gnomAD compares: Non-Finnish European, 0.0012%; no homozygotes.

Submissions (2):

Labcorp Genetics (formerly Invitae), Labcorp
Classification: Uncertain significance for Arrhythmogenic cardiomyopathy with wooly hair and keratoderma; Arrhythmogenic right ventricular dysplasia 8. Last evaluated: 2024-09-25. Review status: criteria provided, single submitter. Criteria: Invitae Variant Classification Sherloc (09022015). Collection method: clinical testing. Allele origin: germline.
Comment: This sequence change replaces arginine, which is basic and polar, with cysteine, which is neutral and slightly polar, at codon 892 of the DSP protein (p.Arg892Cys). This variant is present in population databases (rs750800025, gnomAD 0.007%). This variant has not been reported in the literature in individuals affected with DSP-related conditions. ClinVar contains an entry for this variant (Variation ID: 1513255). An algorithm developed to predict the effect of missense changes on protein structure and function (PolyPhen-2) suggests that this variant is likely to be disruptive. In summary, the available evidence is currently insufficient to determine the role of this variant in disease. Therefore, it has been classified as a Variant of Uncertain Significance.

Ambry Genetics
Classification: Uncertain significance for Cardiovascular phenotype. Last evaluated: 2022-12-30. Review status: criteria provided, single submitter. Criteria: Ambry Variant Classification Scheme 2023. Collection method: clinical testing. Allele origin: germline.
Comment: The p.R892C variant (also known as c.2674C>T), located in coding exon 19 of the DSP gene, results from a C to T substitution at nucleotide position 2674. The arginine at codon 892 is replaced by cysteine, an amino acid with highly dissimilar properties. This variant has been detected in an exome sequencing cohort; however, details were limited (Yamaguchi-Kabata Y et al. J Hum Genet, 2018 Feb;63:213-230). This amino acid position is well conserved in available vertebrate species. In addition, the in silico prediction for this alteration is inconclusive. Since supporting evidence is limited at this time, the clinical significance of this alteration remains unclear.

Literature cited by the submitters: PubMed 29192238 (cited by Ambry Genetics).